The following is an entry in ClinVar:

ClinVar aggregate classification (germline): Uncertain significance (1 of 4 stars; one submission).

Conditions:
Snijders Blok-Campeau syndrome. Also called: INTELLECTUAL DEVELOPMENTAL DISORDER WITH MACROCEPHALY, SPEECH DELAY, AND DYSMORPHIC FACIES. Identifiers: Orphanet 599082, MedGen C4748701, MONDO:0032600, OMIM 618205.

gnomAD v4.1: 1 of 1,614,190 alleles (0.000062%); highest among the groups gnomAD compares: East Asian, 0.0022%; no homozygotes.

Submission:

Pittsburgh Clinical Genomics Laboratory, University of Pittsburgh Medical Center
Classification: Uncertain significance for Snijders Blok-Campeau syndrome. Last evaluated: 2024-06-05. Review status: criteria provided, single submitter. Criteria: ACMG Guidelines, 2015. Collection method: clinical testing. Allele origin: germline. Inheritance: Autosomal dominant inheritance. Affected: yes.
Comment: This sequence variant is a single nucleotide substitution (A>G) at position 2177 of the coding sequence of the CHD3 gene that results in a glutamic acid to glycine amino acid change at residue 726 of the chromodomain helicase DNA binding protein 3. This variant is absent from ClinVar and has not been observed in individuals affected by CHD3-related disorder in the published literature, to our knowledge. This variant is present in 1 of 1614190 alleles (0.0.00006%) in the gnomAD v4.1.0 population dataset. Multiple bioinformatic tools provide conflicting predictions concerning the impact of this amino acid change, and the Glu726 residue at this position is highly conserved across the vertebrate species examined. Studies examining the functional consequence of this variant have not been published, to our knowledge. At this time, there is insufficient evidence to determine if this variant is pathogenic or benign. Therefore, we consider this a variant of uncertain significance. ACMG Criteria: PM2, PP2

NM_001005273.3(CHD3):c.2000A>G (p.Glu667Gly)

Gene: CHD3 (chromodomain helicase DNA binding protein 3; plus strand). Cytogenetic location: 17p13.1.
Variant type: single nucleotide variant.
Coding change: c.2000A>G on transcript NM_001005273.3 (MANE Select); coding-DNA position 2000, A replaced by G.
Protein change: p.Glu667Gly; replaces glutamic acid 667 with glycine.
Molecular consequence: missense variant.
Genome position (GRCh38, 1-based): chr17:7,898,051, A>G. VCF-style: chr17-7898051-A-G. GRCh37 (hg19) VCF-style: chr17-7801369-A-G.
Other names: c.2177A>G, p.Glu726Gly (NM_001005271.3); c.2000A>G, p.Glu667Gly (NM_005852.4); short protein forms E667G, E726G.
Identifiers: ClinVar variation 3376443 (VCV003376443.1).